The following is an entry in ClinVar:

NM_001197104.2(KMT2A):c.2298G>C (p.Glu766Asp)

Gene: KMT2A (lysine methyltransferase 2A; plus strand). Cytogenetic location: 11q23.3.
Variant type: single nucleotide variant.
Coding change: c.2298G>C on transcript NM_001197104.2 (MANE Select); coding-DNA position 2298, G replaced by C.
Protein change: p.Glu766Asp; replaces glutamic acid 766 with aspartic acid.
Molecular consequence: missense variant.
Genome position (GRCh38, 1-based): chr11:118,473,457, G>C. VCF-style: chr11-118473457-G-C. GRCh37 (hg19) VCF-style: chr11-118344172-G-C.
Other names: c.2298G>C, p.Glu766Asp (NM_005933.4); short protein forms E766D.
Identifiers: ClinVar variation 1500891 (VCV001500891.8), dbSNP rs781928900, ClinGen allele CA6303492.
Genomic context (GRCh38, chr11:118,473,457, plus strand): 5'-TGAACCAAGATCTCCTTCTCACTCCATGAGGACAAGAAGTGGAAGGCTTAGTAGTTCTGA[G>C]CTCTCACCTCTCACCCCCCCGTCTTCTGTCTCTTCCTCGTTAAGCATTTCTGTTAGTCCT-3'
Protein context (NP_001184033.1, residues 756-776): RTRSGRLSSS[Glu766Asp]LSPLTPPSSV

ClinVar aggregate classification (germline): Uncertain significance (1 of 4 stars; one submission).

Allele frequency attached by ClinVar (database versions not stated): gnomAD exomes below 0.00001; ExAC 0.00001.

Submission:

Labcorp Genetics (formerly Invitae), Labcorp
Classification: Uncertain significance. Last evaluated: 2022-03-08. Review status: criteria provided, single submitter. Criteria: Invitae Variant Classification Sherloc (09022015). Collection method: clinical testing. Allele origin: germline.
Comment: In summary, the available evidence is currently insufficient to determine the role of this variant in disease. Therefore, it has been classified as a Variant of Uncertain Significance. Advanced modeling of protein sequence and biophysical properties (such as structural, functional, and spatial information, amino acid conservation, physicochemical variation, residue mobility, and thermodynamic stability) performed at Invitae indicates that this missense variant is not expected to disrupt KMT2A protein function. This variant has not been reported in the literature in individuals affected with KMT2A-related conditions. This variant is present in population databases (rs781928900, gnomAD 0.006%). This sequence change replaces glutamic acid, which is acidic and polar, with aspartic acid, which is acidic and polar, at codon 766 of the KMT2A protein (p.Glu766Asp).